The following is an entry in ClinVar:

NM_000540.3(RYR1):c.12400C>G (p.Pro4134Ala)

Gene: RYR1 (ryanodine receptor 1; plus strand). Cytogenetic location: 19q13.2.
Variant type: single nucleotide variant.
Coding change: c.12400C>G on transcript NM_000540.3 (MANE Select); coding-DNA position 12400, C replaced by G.
Protein change: p.Pro4134Ala; replaces proline 4134 with alanine.
Molecular consequence: missense variant.
Genome position (GRCh38, 1-based): chr19:38,561,230, C>G. VCF-style: chr19-38561230-C-G. GRCh37 (hg19) VCF-style: chr19-39051870-C-G.
Other names: c.12385C>G, p.Pro4129Ala (NM_001042723.2); short protein forms P4129A, P4134A.
Identifiers: ClinVar variation 2179084 (VCV002179084.5), dbSNP rs2514652733, ClinGen allele CA405668660.
Genomic context (GRCh38, chr19:38,561,230, plus strand): 5'-TCCGAAGCGGATGAGAACGAAATGATCAACTGCGAAGAGTTCGCCAACCGCTTCCAGGAG[C>G]CAGCACGCGACATCGGCTTCAACGTGGCGGTGCTGCTGACCAACCTGTCGGAGCATGTGC-3'
Protein context (NP_000531.2, residues 4124-4144): CEEFANRFQE[Pro4134Ala]ARDIGFNVAV

ClinVar aggregate classification (germline): Uncertain significance. Review status: criteria provided, multiple submitters, no conflicts (2 of 4 stars). 2 submissions from 2 submitters: Uncertain significance (2). Last evaluated 2023-02-24.

Conditions:
Malignant hyperthermia, susceptibility to, 1 (MHS1). Also called: Anesthesia related hyperthermia; Malignant hyperpyrexia; Fulminating hyperpyrexia; Pharmacogenic myopathy; RYR1-Related Malignant Hyperthermia Susceptibility; Malignant hyperthermia suceptibility 1. Identifiers: Orphanet 423, MedGen C2930980, MONDO:0007783, OMIM 145600.
RYR1-related disorder. Also called: RYR1-related condition; RYR1-related disorders. Identifiers: MedGen CN239331.

Submissions (2):

All of Us Research Program, National Institutes of Health
Classification: Uncertain significance for Malignant hyperthermia, susceptibility to, 1. Last evaluated: 2023-02-24. Review status: criteria provided, single submitter. Criteria: ACMG Guidelines, 2015. Collection method: clinical testing. Allele origin: germline. Inheritance: Autosomal dominant inheritance. Observed: 1 variant allele, 1 heterozygote.
Comment: This missense variant replaces proline with alanine at codon 4134 of the RYR1 protein. Computational prediction suggests that this variant may have deleterious impact on protein structure and function (internally defined REVEL score threshold >= 0.7, PMID: 27666373). To our knowledge, functional studies have not been reported for this variant. This variant has not been reported in individuals affected with RYR1-related disorders in the literature. This variant has not been identified in the general population by the Genome Aggregation Database (gnomAD). The available evidence is insufficient to determine the role of this variant in disease conclusively. Therefore, this variant is classified as a Variant of Uncertain Significance.

This study involves interpretation of variants in research participants for the purpose of population health screening. Participant phenotype was not available at the time of variant classification. Additional details can be found in publication PMID: 35346344, PMCID: PMC8962531

Labcorp Genetics (formerly Invitae), Labcorp
Classification: Uncertain significance for RYR1-related disorder. Last evaluated: 2022-02-08. Review status: criteria provided, single submitter. Criteria: Invitae Variant Classification Sherloc (09022015). Collection method: clinical testing. Allele origin: germline.
Comment: This sequence change replaces proline, which is neutral and non-polar, with alanine, which is neutral and non-polar, at codon 4134 of the RYR1 protein (p.Pro4134Ala). This variant is not present in population databases (gnomAD no frequency). This variant has not been reported in the literature in individuals affected with RYR1-related conditions. Advanced modeling of protein sequence and biophysical properties (such as structural, functional, and spatial information, amino acid conservation, physicochemical variation, residue mobility, and thermodynamic stability) performed at Invitae indicates that this missense variant is expected to disrupt RYR1 protein function. In summary, the available evidence is currently insufficient to determine the role of this variant in disease. Therefore, it has been classified as a Variant of Uncertain Significance.